The following is an entry in ClinVar:

NM_000138.5(FBN1):c.7330+10T>G

Gene: FBN1 (fibrillin 1; minus strand). Cytogenetic location: 15q21.1.
Variant type: single nucleotide variant.
Coding change: c.7330+10T>G on transcript NM_000138.5 (MANE Select); 10 bases into the intron after coding-DNA position 7330, T replaced by G.
Molecular consequence: intron variant.
Genome position (GRCh38, 1-based): chr15:48,425,729, A>C on the plus strand (T>G on the coding strand, the complement: FBN1 is on the minus strand). VCF-style: chr15-48425729-A-C. GRCh37 (hg19) VCF-style: chr15-48717926-A-C.
Identifiers: ClinVar variation 516067 (VCV000516067.11), dbSNP rs375569743, ClinGen allele CA269520723.
Genomic context (GRCh38, chr15:48,425,729, plus strand): 5'-CTTTGGGTTTTTTTTTTTCCATAATCTAAAATTTCCACTTGAGGATAAGCCATCAGAAAT[A>C]GACACTTACCTACACAGGAAGTCCCAGTTATATCTGGAGTGTACCCAGTTTTACAAATGC-3'

ClinVar aggregate classification (germline): Likely benign. Review status: criteria provided, multiple submitters, no conflicts (2 of 4 stars). 2 submissions from 2 submitters: Likely benign (2). Last evaluated 2024-02-22.

Conditions:
Familial thoracic aortic aneurysm and aortic dissection (TAAD). Also called: Thoracic aortic aneurysms and dissections. Identifiers: Orphanet 91387, MedGen C4707243, MONDO:0019625.
Marfan syndrome (MFS). Also called: Marfan syndrome type 1; Marfan syndrome, classic; Marfan's syndrome; FBN1-Related Marfan Syndrome; MARFAN SYNDROME, TYPE I. Identifiers: Orphanet 284963, Orphanet 558, MedGen C0024796, MONDO:0007947, OMIM 154700.

Allele frequency attached by ClinVar (database versions not stated): gnomAD exomes 0.00001 and 0.00002; TOPMed 0.00001; ESP Exome Variant Server 0.00008.
gnomAD v4.1: 24 of 1,612,914 alleles (0.0015%); highest among the groups gnomAD compares: Non-Finnish European, 0.002%; no homozygotes.

Submissions (2):

Labcorp Genetics (formerly Invitae), Labcorp
Classification: Likely benign for Marfan syndrome; Familial thoracic aortic aneurysm and aortic dissection. Last evaluated: 2024-02-22. Review status: criteria provided, single submitter. Criteria: Invitae Variant Classification Sherloc (09022015). Collection method: clinical testing. Allele origin: germline.

GeneDx
Classification: Likely benign. Last evaluated: 2017-03-15. Review status: criteria provided, single submitter. Criteria: GeneDx Variant Classification (06012015). Collection method: clinical testing. Allele origin: germline. Affected: yes.
Comment: This variant is considered likely benign or benign based on one or more of the following criteria: it is a conservative change, it occurs at a poorly conserved position in the protein, it is predicted to be benign by multiple in silico algorithms, and/or has population frequency not consistent with disease.